The following is an entry in ClinVar:

ClinVar aggregate classification (germline): Uncertain significance. Review status: criteria provided, multiple submitters, no conflicts (2 of 4 stars). 3 submissions from 3 submitters: Uncertain significance (3). Last evaluated 2025-08-13.

Conditions:
Early-infantile DEE. Also called: Early infantile epileptic encephalopathy; Ohtahara syndrome; Early infantile epileptic encephalopathy with suppression bursts. Identifiers: Orphanet 1934, MedGen C0393706, MONDO:0800491.
Inborn genetic diseases. Identifiers: MedGen C0950123, MeSH D030342.

Allele frequency attached by ClinVar (database versions not stated): gnomAD exomes below 0.00001; TOPMed below 0.00001.

Submissions (3):

Ambry Genetics
Classification: Uncertain significance for Inborn genetic diseases. Last evaluated: 2025-08-13. Review status: criteria provided, single submitter. Criteria: Ambry Variant Classification Scheme 2023. Collection method: clinical testing. Allele origin: germline.

Labcorp Genetics (formerly Invitae), Labcorp
Classification: Uncertain significance for Early-infantile DEE. Last evaluated: 2023-11-25. Review status: criteria provided, single submitter. Criteria: Invitae Variant Classification Sherloc (09022015). Collection method: clinical testing. Allele origin: germline.
Comment: This sequence change replaces alanine, which is neutral and non-polar, with valine, which is neutral and non-polar, at codon 1019 of the SPTAN1 protein (p.Ala1019Val). This variant is present in population databases (no rsID available, gnomAD 0.006%). This variant has not been reported in the literature in individuals affected with SPTAN1-related conditions. ClinVar contains an entry for this variant (Variation ID: 1406555). Advanced modeling of protein sequence and biophysical properties (such as structural, functional, and spatial information, amino acid conservation, physicochemical variation, residue mobility, and thermodynamic stability) has been performed at Invitae for this missense variant, however the output from this modeling did not meet the statistical confidence thresholds required to predict the impact of this variant on SPTAN1 protein function. In summary, the available evidence is currently insufficient to determine the role of this variant in disease. Therefore, it has been classified as a Variant of Uncertain Significance.

Breakthrough Genomics
Classification: Uncertain significance. Review status: criteria provided, single submitter. Criteria: ACMG Guidelines, 2015. Collection method: not provided. Allele origin: germline. Inheritance: Autosomal dominant inheritance. Affected: yes.

NM_001130438.3(SPTAN1):c.3056C>T (p.Ala1019Val)

Gene: SPTAN1 (spectrin alpha, non-erythrocytic 1; plus strand). Cytogenetic location: 9q34.11.
Variant type: single nucleotide variant.
Coding change: c.3056C>T on transcript NM_001130438.3 (MANE Select); coding-DNA position 3056, C replaced by T.
Protein change: p.Ala1019Val; replaces alanine 1019 with valine.
Molecular consequence: missense variant.
Genome position (GRCh38, 1-based): chr9:128,591,526, C>T. VCF-style: chr9-128591526-C-T. GRCh37 (hg19) VCF-style: chr9-131353805-C-T.
Other names: c.3056C>T (NM_001130438.2); c.3056C>T, p.Ala1019Val (NM_001195532.2, NM_001363759.2, NM_001363765.2 and 5 more transcripts); c.3092C>T, p.Ala1031Val (NM_001375312.2, NM_001375318.1); short protein forms A1019V, A1031V.
Identifiers: ClinVar variation 1406555 (VCV001406555.11), dbSNP rs1349058117, ClinGen allele CA375060243.
Genomic context (GRCh38, chr9:128,591,526, plus strand): 5'-TTTTTCCTTAGGATTGGTGGAAAGTGGAAGTGAACGATCGTCAGGGTTTTGTGCCGGCTG[C>T]GTACGTGAAGAAATTGGACCCCGCCCAGTCAGCCTCCCGGGAGAATCTCCTGGAGGAGCA-3'
Protein context (NP_001123910.1, residues 1009-1029): VNDRQGFVPA[Ala1019Val]YVKKLDPAQS